The following is an entry in ClinVar:

NM_152393.4(KLHL40):c.427C>T (p.Leu143Phe)

Gene: KLHL40 (kelch like family member 40; plus strand). Cytogenetic location: 3p22.1.
Variant type: single nucleotide variant.
Coding change: c.427C>T on transcript NM_152393.4 (MANE Select); coding-DNA position 427, C replaced by T.
Protein change: p.Leu143Phe; replaces leucine 143 with phenylalanine.
Molecular consequence: missense variant.
Genome position (GRCh38, 1-based): chr3:42,686,045, C>T. VCF-style: chr3-42686045-C-T. GRCh37 (hg19) VCF-style: chr3-42727537-C-T.
Other names: c.427C>T (NM_152393.2); short protein forms L143F.
Identifiers: ClinVar variation 1313746 (VCV001313746.6), dbSNP rs780332509, ClinGen allele CA2336648.

ClinVar aggregate classification (germline): Uncertain significance. Review status: criteria provided, multiple submitters, no conflicts (2 of 4 stars). 3 submissions from 3 submitters: Uncertain significance (3). Last evaluated 2025-10-06.

Conditions:
Nemaline myopathy 8 (NEM8). Also called: Nemaline myopathy 8, autosomal recessive. Identifiers: Orphanet 171430, MedGen C3809209, MONDO:0014138, OMIM 615348.
Inborn genetic diseases. Identifiers: MedGen C0950123, MeSH D030342.

Allele frequency attached by ClinVar (database versions not stated): gnomAD 0.00001; gnomAD exomes 0.00004 and 0.00002; ExAC 0.00001; TOPMed 0.00005.
gnomAD v4.1: 63 of 1,607,366 alleles (0.0039%); highest among the groups gnomAD compares: Non-Finnish European, 0.0051%; no homozygotes.

Submissions (3):

Labcorp Genetics (formerly Invitae), Labcorp
Classification: Uncertain significance for Nemaline myopathy 8. Last evaluated: 2025-10-06. Review status: criteria provided, single submitter. Criteria: Invitae Variant Classification Sherloc (09022015). Collection method: clinical testing. Allele origin: germline.
Comment: This sequence change replaces leucine, which is neutral and non-polar, with phenylalanine, which is neutral and non-polar, at codon 143 of the KLHL40 protein (p.Leu143Phe). This variant is present in population databases (rs780332509, gnomAD 0.005%). This variant has not been reported in the literature in individuals affected with KLHL40-related conditions. ClinVar contains an entry for this variant (Variation ID: 1313746). Invitae Evidence Modeling of protein sequence and biophysical properties (such as structural, functional, and spatial information, amino acid conservation, physicochemical variation, residue mobility, and thermodynamic stability) indicates that this missense variant is not expected to disrupt KLHL40 protein function with a negative predictive value of 80%. In summary, the available evidence is currently insufficient to determine the role of this variant in disease. Therefore, it has been classified as a Variant of Uncertain Significance.

Ambry Genetics
Classification: Uncertain significance for Inborn genetic diseases. Last evaluated: 2024-03-01. Review status: criteria provided, single submitter. Criteria: Ambry Variant Classification Scheme 2023. Collection method: clinical testing. Allele origin: germline.

GeneDx
Classification: Uncertain significance. Last evaluated: 2021-01-06. Review status: criteria provided, single submitter. Criteria: GeneDx Variant Classification Process June 2021. Collection method: clinical testing. Allele origin: germline. Affected: yes.
Comment: Not observed at a significant frequency in large population cohorts (Lek et al., 2016); In silico analysis supports that this missense variant does not alter protein structure/function; Has not been previously published as pathogenic or benign to our knowledge